The following is an entry in ClinVar:

NM_016333.4(SRRM2):c.6427A>G (p.Arg2143Gly)

Gene: SRRM2 (serine/arginine repetitive matrix 2; plus strand). Cytogenetic location: 16p13.3.
Variant type: single nucleotide variant.
Coding change: c.6427A>G on transcript NM_016333.4 (MANE Select); coding-DNA position 6427, A replaced by G.
Protein change: p.Arg2143Gly; replaces arginine 2143 with glycine.
Molecular consequence: missense variant.
Genome position (GRCh38, 1-based): chr16:2,766,955, A>G. VCF-style: chr16-2766955-A-G. GRCh37 (hg19) VCF-style: chr16-2816956-A-G.
Other names: short protein forms R2143G.
Identifiers: ClinVar variation 2444683 (VCV002444683.1), dbSNP rs1319225581, ClinGen allele CA394426194.

ClinVar aggregate classification (germline): Uncertain significance (1 of 4 stars; one submission).

Allele frequency attached by ClinVar (database versions not stated): gnomAD exomes below 0.00001; TOPMed below 0.00001; gnomAD 0.00001.
gnomAD v4.1: 7 of 1,613,878 alleles (0.00043%); highest among the groups gnomAD compares: African/African-American, 0.0013%; no homozygotes.

Submission:

GeneDx
Classification: Uncertain significance. Last evaluated: 2022-09-14. Review status: criteria provided, single submitter. Criteria: GeneDx Variant Classification Process June 2021. Collection method: clinical testing. Allele origin: germline. Affected: yes.
Comment: Not observed at significant frequency in large population cohorts (gnomAD); In silico analysis supports that this missense variant does not alter protein structure/function; Has not been previously published as pathogenic or benign to our knowledge